The following is an entry in ClinVar:

ClinVar aggregate classification (germline): Uncertain significance (1 of 4 stars; one submission).

Submission:

GeneDx
Classification: Uncertain significance. Last evaluated: 2023-11-20. Review status: criteria provided, single submitter. Criteria: GeneDx Variant Classification Process June 2021. Collection method: clinical testing. Allele origin: germline. Affected: yes.
Comment: Not observed at significant frequency in large population cohorts (gnomAD); In silico analysis supports that this missense variant has a deleterious effect on protein structure/function; Has not been previously published as pathogenic or benign to our knowledge

NM_006267.5(RANBP2):c.270C>A (p.Asn90Lys)

Gene: RANBP2 (RAN binding protein 2; plus strand). Cytogenetic location: 2q13.
Variant type: single nucleotide variant.
Coding change: c.270C>A on transcript NM_006267.5 (MANE Select); coding-DNA position 270, C replaced by A.
Protein change: p.Asn90Lys; replaces asparagine 90 with lysine.
Molecular consequence: missense variant.
Genome position (GRCh38, 1-based): chr2:108,731,339, C>A. VCF-style: chr2-108731339-C-A. GRCh37 (hg19) VCF-style: chr2-109347795-C-A.
Other names: c.270C>A, p.Asn90Lys (NM_001415871.1, NM_001415873.1); c.267C>A, p.Asn89Lys (NM_001415872.1); short protein forms N89K, N90K.
Identifiers: ClinVar variation 3364393 (VCV003364393.1).